The following is an entry in ClinVar:

NM_003922.4(HERC1):c.1906T>G (p.Tyr636Asp)

Gene: HERC1 (HECT and RLD domain containing E3 ubiquitin protein ligase family member 1; minus strand). Cytogenetic location: 15q22.31.
Variant type: single nucleotide variant.
Coding change: c.1906T>G on transcript NM_003922.4 (MANE Select); coding-DNA position 1906, T replaced by G.
Protein change: p.Tyr636Asp; replaces tyrosine 636 with aspartic acid.
Molecular consequence: missense variant.
Genome position (GRCh38, 1-based): chr15:63,749,788, A>C on the plus strand (T>G on the coding strand, the complement: HERC1 is on the minus strand). VCF-style: chr15-63749788-A-C. GRCh37 (hg19) VCF-style: chr15-64041987-A-C.
Other names: short protein forms Y636D.
Identifiers: ClinVar variation 1699553 (VCV001699553.5), dbSNP rs368748818, ClinGen allele CA7606356.

ClinVar aggregate classification (germline): Uncertain significance. Review status: criteria provided, multiple submitters, no conflicts (2 of 4 stars). 3 submissions from 3 submitters: Uncertain significance (3). Last evaluated 2025-06-24.

Conditions:
Inborn genetic diseases. Identifiers: MedGen C0950123, MeSH D030342.

Allele frequency attached by ClinVar (database versions not stated): gnomAD 0.00003 and 0.00004; gnomAD exomes 0.00004 and 0.00007; TOPMed 0.00005; ESP Exome Variant Server 0.00008; ExAC 0.00009.
gnomAD v4.1: 104 of 1,549,770 alleles (0.0067%); highest among the groups gnomAD compares: Non-Finnish European, 0.0085%; no homozygotes.

Submissions (3):

Ambry Genetics
Classification: Uncertain significance for Inborn genetic diseases. Last evaluated: 2025-06-24. Review status: criteria provided, single submitter. Criteria: Ambry Variant Classification Scheme 2023. Collection method: clinical testing. Allele origin: germline.

Labcorp Genetics (formerly Invitae), Labcorp
Classification: Uncertain significance. Last evaluated: 2022-05-25. Review status: criteria provided, single submitter. Criteria: Invitae Variant Classification Sherloc (09022015). Collection method: clinical testing. Allele origin: germline.
Comment: This sequence change replaces tyrosine, which is neutral and polar, with aspartic acid, which is acidic and polar, at codon 636 of the HERC1 protein (p.Tyr636Asp). This variant is present in population databases (rs368748818, gnomAD 0.01%). This variant has not been reported in the literature in individuals affected with HERC1-related conditions. Algorithms developed to predict the effect of missense changes on protein structure and function are either unavailable or do not agree on the potential impact of this missense change (SIFT: "Deleterious"; PolyPhen-2: "Benign"; Align-GVGD: "Class C0"). In summary, the available evidence is currently insufficient to determine the role of this variant in disease. Therefore, it has been classified as a Variant of Uncertain Significance.

GeneDx
Classification: Uncertain significance. Last evaluated: 2022-01-28. Review status: criteria provided, single submitter. Criteria: GeneDx Variant Classification Process June 2021. Collection method: clinical testing. Allele origin: germline. Affected: yes.
Comment: Not observed at significant frequency in large population cohorts (gnomAD); In silico analysis supports that this missense variant has a deleterious effect on protein structure/function; Has not been previously published as pathogenic or benign to our knowledge